The following is an entry in ClinVar:

NM_000020.3(ACVRL1):c.1039G>C (p.Ala347Pro)

Gene: ACVRL1 (activin A receptor like type 1; plus strand). Cytogenetic location: 12q13.13.
Variant type: single nucleotide variant.
Coding change: c.1039G>C on transcript NM_000020.3 (MANE Select); coding-DNA position 1039, G replaced by C.
Protein change: p.Ala347Pro; replaces alanine 347 with proline.
Molecular consequence: missense variant.
Genome position (GRCh38, 1-based): chr12:51,915,491, G>C. VCF-style: chr12-51915491-G-C. GRCh37 (hg19) VCF-style: chr12-52309275-G-C.
Other names: p.Ala347Pro; c.727G>C, p.Ala243Pro (NM_001406491.1, NM_001406492.1, NM_001406493.1 and 2 more transcripts); c.475G>C, p.Ala159Pro (NM_001406495.1); c.1039G>C, p.Ala347Pro (NM_001077401.2, NM_001406487.1, NM_001406488.1 and 1 more transcripts); short protein forms A347P, A243P, A159P.
Identifiers: ClinVar variation 2735872 (VCV002735872.4), dbSNP rs2540164997, ClinGen allele CA384901809.
Genomic context (GRCh38, chr12:51,915,491, plus strand): 5'-GCCCACCGCGACTTCAAGAGCCGCAATGTGCTGGTCAAGAGCAACCTGCAGTGTTGCATC[G>C]CCGACCTGGGTGAGCCGGGCGGGGCAGGGGCGCGCCCTTCACAGGTGGGCGGAGCTTGTG-3'
Protein context (NP_000011.2, residues 337-357): LVKSNLQCCI[Ala347Pro]DLGLAVMHSQ

ClinVar aggregate classification (germline): Likely pathogenic. Review status: criteria provided, multiple submitters, no conflicts (2 of 4 stars). 2 submissions from 2 submitters: Likely pathogenic (2). Last evaluated 2025-09-03.

Conditions:
Telangiectasia, hereditary hemorrhagic, type 2 (HHT2). Also called: ACVRL1-Related Hereditary Hemorrhagic Telangiectasia; Telangiectasia, hereditary hemorrhagic, type II. Identifiers: Orphanet 774, MedGen C1838163, MONDO:0010880, OMIM 600376. Disease mechanism: loss of function.

Submissions (2):

Labcorp Genetics (formerly Invitae), Labcorp
Classification: Likely pathogenic for Telangiectasia, hereditary hemorrhagic, type 2. Last evaluated: 2025-09-03. Review status: criteria provided, single submitter. Criteria: Invitae Variant Classification Sherloc (09022015). Collection method: clinical testing. Allele origin: germline.
Comment: This sequence change replaces alanine, which is neutral and non-polar, with proline, which is neutral and non-polar, at codon 347 of the ACVRL1 protein (p.Ala347Pro). This variant is not present in population databases (gnomAD no frequency). This missense change has been observed in individual(s) with hereditary hemorrhagic telangiectasia (PMID: 15024723). ClinVar contains an entry for this variant (Variation ID: 2735872). Invitae Evidence Modeling of protein sequence and biophysical properties (such as structural, functional, and spatial information, amino acid conservation, physicochemical variation, residue mobility, and thermodynamic stability) indicates that this missense variant is expected to disrupt ACVRL1 protein function with a positive predictive value of 95%. Experimental studies have shown that this missense change affects ACVRL1 function (PMID: 20501893). This variant disrupts the p.Ala347 amino acid residue in ACVRL1. Other variant(s) that disrupt this residue have been observed in individuals with ACVRL1-related conditions (PMID: 20414677, 22991266), which suggests that this may be a clinically significant amino acid residue. In summary, the currently available evidence indicates that the variant is pathogenic, but additional data are needed to prove that conclusively. Therefore, this variant has been classified as Likely Pathogenic.

Mayo Clinic Laboratories, Mayo Clinic
Classification: Likely pathogenic. Last evaluated: 2024-07-29. Review status: criteria provided, single submitter. Criteria: ACMG Guidelines, 2015. Collection method: clinical testing. Allele origin: germline. Observed: 1 variant allele.
Comment: PP3, PP4, PM2, PM5, PS3_supporting

Literature cited by the submitters: PubMed 15024723 (cited by Labcorp Genetics (formerly Invitae), Labcorp and Mayo Clinic Laboratories, Mayo Clinic); PubMed 20501893 (cited by Labcorp Genetics (formerly Invitae), Labcorp and Mayo Clinic Laboratories, Mayo Clinic); PubMed 20414677 (cited by Labcorp Genetics (formerly Invitae), Labcorp and Mayo Clinic Laboratories, Mayo Clinic); PubMed 22991266 (cited by Labcorp Genetics (formerly Invitae), Labcorp and Mayo Clinic Laboratories, Mayo Clinic); PubMed 37776659 (cited by Mayo Clinic Laboratories, Mayo Clinic).